The following is an entry in ClinVar:

NM_016507.4(CDK12):c.539A>G (p.His180Arg)

Genes: CDK12 (cyclin dependent kinase 12; plus strand), LOC126862553 (CDK7 strongly-dependent group 2 enhancer GRCh37_chr17:37618166-37619365; plus strand). Cytogenetic location: 17q12.
Variant type: single nucleotide variant.
Coding change: c.539A>G on transcript NM_016507.4 (MANE Select); coding-DNA position 539, A replaced by G.
Protein change: p.His180Arg; replaces histidine 180 with arginine.
Molecular consequence: missense variant.
Genome position (GRCh38, 1-based): chr17:39,462,610, A>G. VCF-style: chr17-39462610-A-G. GRCh37 (hg19) VCF-style: chr17-37618863-A-G.
Other names: c.539A>G, p.His180Arg (NM_015083.4); short protein forms H180R.
Identifiers: ClinVar variation 5034155 (VCV005034155.1).

ClinVar aggregate classification (germline): Uncertain significance (1 of 4 stars; one submission).

Submission:

Ambry Genetics
Classification: Uncertain significance. Last evaluated: 2026-08-16. Review status: criteria provided, single submitter. Criteria: Ambry Variant Classification Scheme 2023. Collection method: clinical testing. Allele origin: germline.
Comment: The p.H180R variant (also known as c.539A>G), located in coding exon 1 of the CDK12 gene, results from an A to G substitution at nucleotide position 539. The histidine at codon 180 is replaced by arginine, an amino acid with highly similar properties. This amino acid position is conserved. In addition, this alteration is predicted to be tolerated by in silico analysis. Based on the available evidence, the clinical significance of this variant remains unclear.